The following is an entry in ClinVar:

NM_005654.6(NR2F1):c.991+5G>A

Gene: NR2F1 (nuclear receptor subfamily 2 group F member 1; plus strand). Cytogenetic location: 5q15.
Variant type: single nucleotide variant.
Coding change: c.991+5G>A on transcript NM_005654.6 (MANE Select); 5 bases into the intron after coding-DNA position 991, G replaced by A.
Molecular consequence: intron variant.
Genome position (GRCh38, 1-based): chr5:93,588,449, G>A. VCF-style: chr5-93588449-G-A. GRCh37 (hg19) VCF-style: chr5-92924155-G-A.
Other names: c.541+5G>A (NM_001410754.1).
Identifiers: ClinVar variation 3638319 (VCV003638319.2).
Genomic context (GRCh38, chr5:93,588,449, plus strand): 5'-ACACGTCGACTCAGCCGAGTACAGCTGCCTCAAAGCCATCGTGCTGTTCACGTCAGGTGA[G>A]GCTGCGGTCGCGGGGAGGGCAGGCCGCGCCGGCAGCGAGCGCAGGCCCCGCGCCGCCCGG-3'

ClinVar aggregate classification (germline): Uncertain significance (1 of 4 stars; one submission).

Submission:

Labcorp Genetics (formerly Invitae), Labcorp
Classification: Uncertain significance. Last evaluated: 2024-02-02. Review status: criteria provided, single submitter. Criteria: Invitae Variant Classification Sherloc (09022015). Collection method: clinical testing. Allele origin: germline.
Comment: This sequence change falls in intron 2 of the NR2F1 gene. It does not directly change the encoded amino acid sequence of the NR2F1 protein. It affects a nucleotide within the consensus splice site. This variant is not present in population databases (gnomAD no frequency). This variant has not been reported in the literature in individuals affected with NR2F1-related conditions. Variants that disrupt the consensus splice site are a relatively common cause of aberrant splicing (PMID: 17576681, 9536098). Algorithms developed to predict the effect of sequence changes on RNA splicing suggest that this variant is not likely to affect RNA splicing. In summary, the available evidence is currently insufficient to determine the role of this variant in disease. Therefore, it has been classified as a Variant of Uncertain Significance.

Literature cited by the submitters: PubMed 17576681; PubMed 9536098.